The following is an entry in ClinVar:

ClinVar aggregate classification (germline): Uncertain significance. Review status: criteria provided, multiple submitters, no conflicts (2 of 4 stars). 2 submissions from 2 submitters: Uncertain significance (2). Last evaluated 2025-10-02.

Allele frequency attached by ClinVar (database versions not stated): gnomAD 0.00001; gnomAD exomes 0.00001; TOPMed below 0.00001.
gnomAD v4.1: 15 of 1,584,886 alleles (0.00095%); highest among the groups gnomAD compares: Non-Finnish European, 0.0013%; no homozygotes.

Submissions (2):

Labcorp Genetics (formerly Invitae), Labcorp
Classification: Uncertain significance. Last evaluated: 2025-10-02. Review status: criteria provided, single submitter. Criteria: Invitae Variant Classification Sherloc (09022015). Collection method: clinical testing. Allele origin: germline.
Comment: This sequence change replaces glutamic acid, which is acidic and polar, with glutamine, which is neutral and polar, at codon 67 of the SRA1 protein (p.Glu67Gln). This variant is present in population databases (no rsID available, gnomAD 0.001%). This variant has not been reported in the literature in individuals affected with SRA1-related conditions. ClinVar contains an entry for this variant (Variation ID: 2977524). An algorithm developed to predict the effect of missense changes on protein structure and function (PolyPhen-2) suggests that this variant is likely to be tolerated. In summary, the available evidence is currently insufficient to determine the role of this variant in disease. Therefore, it has been classified as a Variant of Uncertain Significance.

Ambry Genetics
Classification: Uncertain significance. Last evaluated: 2025-01-16. Review status: criteria provided, single submitter. Criteria: Ambry Variant Classification Scheme 2023. Collection method: clinical testing. Allele origin: germline.

NM_001035235.4(SRA1):c.163G>C (p.Glu55Gln)

Gene: SRA1 (steroid receptor RNA activator 1; minus strand). Cytogenetic location: 5q31.3.
Variant type: single nucleotide variant.
Coding change: c.163G>C on transcript NM_001035235.4 (MANE Select); coding-DNA position 163, G replaced by C.
Protein change: p.Glu55Gln; replaces glutamic acid 55 with glutamine.
Molecular consequence: missense variant. On other transcripts: non-coding transcript variant (2), intron variant (1).
Genome position (GRCh38, 1-based): chr5:140,552,173, C>G on the plus strand (G>C on the coding strand, the complement: SRA1 is on the minus strand). VCF-style: chr5-140552173-C-G. GRCh37 (hg19) VCF-style: chr5-139931758-C-G.
Other names: c.199G>C (NM_001035235.2); c.307-1004G>C (NM_001253764.2); short protein forms E55Q.
Identifiers: ClinVar variation 2977524 (VCV002977524.4), dbSNP rs1369640192, ClinGen allele CA361206232.